The following is an entry in ClinVar:

NM_015443.4(KANSL1):c.2963C>A (p.Ser988Tyr)

Gene: KANSL1 (KAT8 regulatory NSL complex subunit 1). Cytogenetic location: 17q21.31.
Variant type: single nucleotide variant.
Coding change: c.2963C>A on transcript NM_015443.4 (MANE Select); coding-DNA position 2963, C replaced by A.
Protein change: p.Ser988Tyr; replaces serine 988 with tyrosine.
Molecular consequence: missense variant. On other transcripts: intron variant (4).
Genome position (GRCh38, 1-based): chr17:46,032,174, G>T on the plus strand (C>A on the coding strand, the complement: KANSL1 is on the minus strand). VCF-style: chr17-46032174-G-T. GRCh37 (hg19) VCF-style: chr17-44109540-G-T.
Other names: c.2960C>A, p.Ser987Tyr (NM_001193465.2, NM_001405856.1, NM_001405857.1 and 1 more transcripts); c.2963C>A, p.Ser988Tyr (NM_001193466.2, NM_001379198.1, NM_001405854.1 and 1 more transcripts); c.2861C>A, p.Ser954Tyr (NM_001405859.1, NM_001405860.1); c.1505C>A, p.Ser502Tyr (NM_001405885.1); c.2733-7C>A (NM_001405881.1); c.2838-7C>A (NM_001405872.1, NM_001405874.1, NM_001405873.1); c.2858C>A, p.Ser953Tyr (NM_001405861.1); c.2774C>A, p.Ser925Tyr (NM_001405875.1, NM_001405876.1, NM_001405877.1 and 1 more transcripts); and 4 more; short protein forms S502Y, S925Y, S953Y, S503Y, S924Y, S988Y, S565Y, S566Y.
Identifiers: ClinVar variation 2833044 (VCV002833044.3), dbSNP rs2510369313, ClinGen allele CA399986860.

ClinVar aggregate classification (germline): Uncertain significance (1 of 4 stars; one submission).

Conditions:
Koolen-de Vries syndrome (KDVS). Identifiers: Orphanet 96169, MedGen C1864871, MONDO:0012496, OMIM 610443.

Allele frequency attached by ClinVar (database versions not stated): gnomAD exomes 0.00001.
gnomAD v4.1: 7 of 1,613,460 alleles (0.00043%); highest among the groups gnomAD compares: Non-Finnish European, 0.00059%; no homozygotes.

Submission:

Labcorp Genetics (formerly Invitae), Labcorp
Classification: Uncertain significance for Koolen-de Vries syndrome. Last evaluated: 2023-01-30. Review status: criteria provided, single submitter. Criteria: Invitae Variant Classification Sherloc (09022015). Collection method: clinical testing. Allele origin: germline.
Comment: In summary, the available evidence is currently insufficient to determine the role of this variant in disease. Therefore, it has been classified as a Variant of Uncertain Significance. This sequence change replaces serine, which is neutral and polar, with tyrosine, which is neutral and polar, at codon 988 of the KANSL1 protein (p.Ser988Tyr). This variant is not present in population databases (gnomAD no frequency). This variant has not been reported in the literature in individuals affected with KANSL1-related conditions. Advanced modeling of protein sequence and biophysical properties (such as structural, functional, and spatial information, amino acid conservation, physicochemical variation, residue mobility, and thermodynamic stability) performed at Invitae indicates that this missense variant is not expected to disrupt KANSL1 protein function.